The following is an entry in ClinVar:

ClinVar aggregate classification (germline): Likely pathogenic (1 of 4 stars; one submission).

Conditions:
Autosomal recessive polycystic kidney disease (ARPKD). Also called: AR polycystic kidney disease. Identifiers: Orphanet 731, Orphanet 8378, MedGen C0085548, MeSH D017044, MONDO:0009889.

Submission:

Natera, Inc.
Classification: Likely pathogenic for Autosomal recessive polycystic kidney disease. Last evaluated: 2025-05-27. Review status: criteria provided, single submitter. Criteria: Natera Variant Classification Schema (03/2026). Collection method: clinical testing. Allele origin: germline.
Comment: The c.8165del variant in PKHD1 is a frameshift variant predicted to shift the reading frame beginning at codon 2722 and leads to a stop codon 13 codons downstream. This variant is expected to result in nonsense mediated decay, truncation, or a dysfunctional protein product. This variant is rare in the general population with a frequency below the threshold expected for the associated phenotype(s). Given the available evidence, this variant is classified as Likely Pathogenic.

NM_138694.4(PKHD1):c.8165del (p.Thr2722fs)

Gene: PKHD1 (PKHD1 ciliary IPT domain containing fibrocystin/polyductin; minus strand). Cytogenetic location: 6p12.2.
Variant type: Deletion.
Coding change: c.8165del on transcript NM_138694.4 (MANE Select); coding-DNA position 8165, one base deleted (C; older notation c.8165delC).
Protein change: p.Thr2722fs; shifts the reading frame from threonine 2722.
Molecular consequence: frameshift variant.
Genome position (GRCh38, 1-based): chr6:51,836,412, G deleted on the plus strand (C on the coding strand, the reverse complement: PKHD1 is on the minus strand). VCF-style (leftmost placement, unchanged base first): chr6-51836411-AG-A. GRCh37 (hg19) VCF-style: chr6-51701209-AG-A.
Other names: c.8165del, p.Thr2722fs (NM_170724.3); short protein forms T2722fs.
Identifiers: ClinVar variation 4059802 (VCV004059802.2).